The following is an entry in ClinVar:

NM_000188.3(HK1):c.2376-1G>A

Gene: HK1 (hexokinase 1; plus strand). Cytogenetic location: 10q22.1.
Variant type: single nucleotide variant.
Coding change: c.2376-1G>A on transcript NM_000188.3 (MANE Select); the canonical splice acceptor site of the intron before coding-DNA position 2376, G replaced by A.
Molecular consequence: splice acceptor variant.
Genome position (GRCh38, 1-based): chr10:69,398,594, G>A. VCF-style: chr10-69398594-G-A. GRCh37 (hg19) VCF-style: chr10-71158350-G-A.
Other names: c.2340-1G>A (NM_033500.2); c.2481-1G>A (NM_001322365.2); c.2388-1G>A (NM_033498.3, NM_033497.3, NM_001322364.2 and 1 more transcripts); c.2373-1G>A (NM_033496.3); c.2292-1G>A (NM_001322366.1); c.2280-1G>A (NM_001322367.1).
Identifiers: ClinVar variation 3373201 (VCV003373201.2).

ClinVar aggregate classification (germline): Uncertain significance (1 of 4 stars; one submission).

Submission:

GeneDx
Classification: Uncertain significance. Last evaluated: 2026-10-07. Review status: criteria provided, single submitter. Criteria: GeneDx Variant Classification Process June 2021. Collection method: clinical testing. Allele origin: germline.
Comment: Not observed at significant frequency in large population cohorts (gnomAD); Canonical splice site variant with an unclear effect on protein function; Has not been previously published as pathogenic or benign to our knowledge